The following is an entry in ClinVar:

NM_004329.3(BMPR1A):c.100G>T (p.Gly34Trp)

Gene: BMPR1A (bone morphogenetic protein receptor type 1A; plus strand). Cytogenetic location: 10q23.2.
Variant type: single nucleotide variant.
Coding change: c.100G>T on transcript NM_004329.3 (MANE Select); coding-DNA position 100, G replaced by T.
Protein change: p.Gly34Trp; replaces glycine 34 with tryptophan.
Molecular consequence: missense variant.
Genome position (GRCh38, 1-based): chr10:86,890,094, G>T. VCF-style: chr10-86890094-G-T. GRCh37 (hg19) VCF-style: chr10-88649851-G-T.
Other names: short protein forms G34W.
Identifiers: ClinVar variation 1483039 (VCV001483039.10), dbSNP rs1589763328, ClinGen allele CA377446368.
Genomic context (GRCh38, chr10:86,890,094, plus strand): 5'-TACTTACAAATTCCATATTTGAATGCAGGACAGAATCTGGATAGTATGCTTCATGGCACT[G>T]GGATGAAATCAGACTCCGACCAGAAAAAGTCAGAAAATGGAGTAACCTTAGCACCAGAGG-3'
Protein context (NP_004320.2, residues 24-44): QNLDSMLHGT[Gly34Trp]MKSDSDQKKS

ClinVar aggregate classification (germline): Uncertain significance. Review status: criteria provided, multiple submitters, no conflicts (2 of 4 stars). 2 submissions from 2 submitters: Uncertain significance (2). Last evaluated 2025-04-03.

Conditions:
Hereditary cancer-predisposing syndrome. Also called: Hereditary neoplastic syndrome; Tumor predisposition; Neoplastic Syndromes, Hereditary; Hereditary Cancer Syndrome. Identifiers: Orphanet 140162, MedGen C0027672, MeSH D009386, MONDO:0015356.
Juvenile polyposis syndrome (JPS). Identifiers: Orphanet 2929, MedGen C0345893, MONDO:0017380, OMIM 174900.

Allele frequency attached by ClinVar (database versions not stated): TOPMed below 0.00001.

Submissions (2):

Labcorp Genetics (formerly Invitae), Labcorp
Classification: Uncertain significance for Juvenile polyposis syndrome. Last evaluated: 2025-04-03. Review status: criteria provided, single submitter. Criteria: Invitae Variant Classification Sherloc (09022015). Collection method: clinical testing. Allele origin: germline.
Comment: This sequence change replaces glycine, which is neutral and non-polar, with tryptophan, which is neutral and slightly polar, at codon 34 of the BMPR1A protein (p.Gly34Trp). This variant is not present in population databases (gnomAD no frequency). This variant has not been reported in the literature in individuals affected with BMPR1A-related conditions. ClinVar contains an entry for this variant (Variation ID: 1483039). Invitae Evidence Modeling of protein sequence and biophysical properties (such as structural, functional, and spatial information, amino acid conservation, physicochemical variation, residue mobility, and thermodynamic stability) has been performed for this missense variant. However, the output from this modeling did not meet the statistical confidence thresholds required to predict the impact of this variant on BMPR1A protein function. In summary, the available evidence is currently insufficient to determine the role of this variant in disease. Therefore, it has been classified as a Variant of Uncertain Significance.

Ambry Genetics
Classification: Uncertain significance for Hereditary cancer-predisposing syndrome. Last evaluated: 2022-06-20. Review status: criteria provided, single submitter. Criteria: Ambry Variant Classification Scheme 2023. Collection method: clinical testing. Allele origin: germline.
Comment: The p.G34W variant (also known as c.100G>T), located in coding exon 2 of the BMPR1A gene, results from a G to T substitution at nucleotide position 100. The glycine at codon 34 is replaced by tryptophan, an amino acid with highly dissimilar properties. This amino acid position is conserved. In addition, the in silico prediction for this alteration is inconclusive. Since supporting evidence is limited at this time, the clinical significance of this alteration remains unclear.